The following is an entry in ClinVar:

ClinVar aggregate classification (germline): Uncertain significance (1 of 4 stars; one submission).

Conditions:
Von Hippel-Lindau syndrome (VHLS). Also called: VHL syndrome; Von Hippel-Lindau; von Hippel–Lindau syndrome. Identifiers: Orphanet 892, MedGen C0019562, MONDO:0008667, OMIM 193300. Disease mechanism: loss of function.
Chuvash polycythemia. Also called: POLYCYTHEMIA, VHL-DEPENDENT. Identifiers: Orphanet 238557, MedGen C1837915, MONDO:0009892, OMIM 263400.

Submission:

Labcorp Genetics (formerly Invitae), Labcorp
Classification: Uncertain significance for Von Hippel-Lindau syndrome; Chuvash polycythemia. Last evaluated: 2021-04-11. Review status: criteria provided, single submitter. Criteria: Invitae Variant Classification Sherloc (09022015). Collection method: clinical testing. Allele origin: germline.
Comment: This variant has not been reported in the literature in individuals with VHL-related conditions. In summary, the available evidence is currently insufficient to determine the role of this variant in disease. Therefore, it has been classified as a Variant of Uncertain Significance. Experimental studies and prediction algorithms are not available or were not evaluated, and the functional significance of this variant is currently unknown. The frequency data for this variant in the population databases is considered unreliable, as metrics indicate insufficient coverage at this position in the ExAC database. This sequence change falls in intron 1 of the VHL gene. It is not expected to change the encoded amino acid sequence of the VHL protein. However, this sequence change falls within a cryptic exon in the VHL gene, known as exon E1’, which is naturally expressed at low levels in several human tissues (PMID: 29891534).

Literature cited by the submitters: PubMed 29891534.

NM_000551.4(VHL):c.340+742G>C

Genes: VHL (von Hippel-Lindau tumor suppressor; plus strand), LOC107303340 (3p25 von Hippel-Lindau tumor suppressor, E3 ubiquitin protein ligase Alu-mediated recombination region; plus strand). Cytogenetic location: 3p25.3.
Variant type: single nucleotide variant.
Coding change: c.340+742G>C on transcript NM_000551.4 (MANE Select); 742 bases into the intron after coding-DNA position 340, G replaced by C.
Molecular consequence: intron variant. On other transcripts: synonymous variant (1).
Genome position (GRCh38, 1-based): chr3:10,142,929, G>C. VCF-style: chr3-10142929-G-C. GRCh37 (hg19) VCF-style: chr3-10184613-G-C.
Other names: c.507G>C, p.Gly169= (NM_001354723.2); c.340+742G>C (NM_198156.3).
Identifiers: ClinVar variation 1410061 (VCV001410061.8), dbSNP rs186099278, ClinGen allele CA2573136129.